The following is an entry in ClinVar:

ClinVar aggregate classification (germline): Uncertain significance (1 of 4 stars; one submission).

Submission:

GeneDx
Classification: Uncertain significance. Last evaluated: 2026-01-09. Review status: criteria provided, single submitter. Criteria: GeneDx Variant Classification Process June 2021. Collection method: clinical testing. Allele origin: germline.
Comment: Not observed at significant frequency in large population cohorts (gnomAD); In silico analysis supports that this missense variant has a deleterious effect on protein structure/function; Has not been previously published as pathogenic or benign to our knowledge

NM_014974.3(DIP2C):c.1796C>T (p.Ala599Val)

Gene: DIP2C (DIP2 acetate--CoA ligase C (putative); minus strand). Cytogenetic location: 10p15.3.
Variant type: single nucleotide variant.
Coding change: c.1796C>T on transcript NM_014974.3 (MANE Select); coding-DNA position 1796, C replaced by T.
Protein change: p.Ala599Val; replaces alanine 599 with valine.
Molecular consequence: missense variant.
Genome position (GRCh38, 1-based): chr10:384,107, G>A on the plus strand (C>T on the coding strand, the complement: DIP2C is on the minus strand). VCF-style: chr10-384107-G-A. GRCh37 (hg19) VCF-style: chr10-430047-G-A.
Other names: short protein forms A599V.
Identifiers: ClinVar variation 3774671 (VCV003774671.2).
Genomic context (GRCh38, chr10:384,107, plus strand): 5'-ACTATCAGCATTCGCAGAGAGGAGAGGTTGATGTCTCTCTGATCTCTGTGTGCTACTAAT[G>A]CCCAATGCATATCCCTCGATTTCACACACGCCACTTTTGCTAAAAAGAAAAATAGAAATA-3'
Protein context (NP_055789.1, residues 589-609): ACVKSRDMHW[Ala599Val]LVAHRDQRDI